The following is an entry in ClinVar:

ClinVar aggregate classification (germline): Uncertain significance (1 of 4 stars; one submission).

gnomAD v4.1: 1 of 1,611,456 alleles (0.000062%); highest among the groups gnomAD compares: Non-Finnish European, 0.000085%; no homozygotes.

Submission:

Labcorp Genetics (formerly Invitae), Labcorp
Classification: Uncertain significance. Last evaluated: 2024-03-04. Review status: criteria provided, single submitter. Criteria: Invitae Variant Classification Sherloc (09022015). Collection method: clinical testing. Allele origin: germline.
Comment: This sequence change replaces lysine, which is basic and polar, with arginine, which is basic and polar, at codon 595 of the RASA2 protein (p.Lys595Arg). This variant is not present in population databases (gnomAD no frequency). This variant has not been reported in the literature in individuals affected with RASA2-related conditions. Advanced modeling of protein sequence and biophysical properties (such as structural, functional, and spatial information, amino acid conservation, physicochemical variation, residue mobility, and thermodynamic stability) performed at Invitae indicates that this missense variant is not expected to disrupt RASA2 protein function with a negative predictive value of 80%. In summary, the available evidence is currently insufficient to determine the role of this variant in disease. Therefore, it has been classified as a Variant of Uncertain Significance.

NM_006506.5(RASA2):c.1784A>G (p.Lys595Arg)

Gene: RASA2 (RAS p21 protein activator 2; plus strand). Cytogenetic location: 3q23.
Variant type: single nucleotide variant.
Coding change: c.1784A>G on transcript NM_006506.5 (MANE Select); coding-DNA position 1784, A replaced by G.
Protein change: p.Lys595Arg; replaces lysine 595 with arginine.
Molecular consequence: missense variant.
Genome position (GRCh38, 1-based): chr3:141,586,056, A>G. VCF-style: chr3-141586056-A-G. GRCh37 (hg19) VCF-style: chr3-141304898-A-G.
Other names: c.1784A>G, p.Lys595Arg (NM_001303245.3, NM_001303246.3); short protein forms K595R.
Identifiers: ClinVar variation 3644376 (VCV003644376.2).
Genomic context (GRCh38, chr3:141,586,056, plus strand): 5'-GTGTAATATTTGCCCATTTCCCCATTTAGTTCTTGGATGAAATTTCATCTACTGAAACTA[A>G]AGAGTCCAGTGGTACGAGTGAGCCTGTGCACCTGAAAGAAGGGTAATTTAATCAAATTAG-3'
Protein context (NP_006497.2, residues 585-605): FLDEISSTET[Lys595Arg]ESSGTSEPVH